The following is an entry in ClinVar:

NM_001035.3(RYR2):c.332G>A (p.Arg111Gln)

Gene: RYR2 (ryanodine receptor 2; plus strand). Cytogenetic location: 1q43.
Variant type: single nucleotide variant.
Coding change: c.332G>A on transcript NM_001035.3 (MANE Select); coding-DNA position 332, G replaced by A.
Protein change: p.Arg111Gln; replaces arginine 111 with glutamine.
Molecular consequence: missense variant.
Genome position (GRCh38, 1-based): chr1:237,369,556, G>A. VCF-style: chr1-237369556-G-A. GRCh37 (hg19) VCF-style: chr1-237532856-G-A.
Other names: short protein forms R111Q.
Identifiers: ClinVar variation 2568256 (VCV002568256.5), dbSNP rs2529839366, ClinGen allele CA070124.

ClinVar aggregate classification (germline): Uncertain significance. Review status: criteria provided, multiple submitters, no conflicts (2 of 4 stars). 2 submissions from 2 submitters: Uncertain significance (2). Last evaluated 2023-06-23.

Conditions:
Cardiovascular phenotype. Identifiers: MedGen CN230736.
Catecholaminergic polymorphic ventricular tachycardia 1. Also called: VENTRICULAR TACHYCARDIA, CATECHOLAMINERGIC POLYMORPHIC, 1, WITH OR WITHOUT ATRIAL DYSFUNCTION AND/OR DILATED CARDIOMYOPATHY; RYR2-Related Catecholaminergic Polymorphic Ventricular Tachycardia; VENTRICULAR TACHYCARDIA, STRESS-INDUCED POLYMORPHIC 1. Identifiers: Orphanet 3286, MedGen C1631597, MONDO:0011484, OMIM 604772.

Submissions (2):

Labcorp Genetics (formerly Invitae), Labcorp
Classification: Uncertain significance for Catecholaminergic polymorphic ventricular tachycardia 1. Last evaluated: 2023-06-23. Review status: criteria provided, single submitter. Criteria: Invitae Variant Classification Sherloc (09022015). Collection method: clinical testing. Allele origin: germline.
Comment: This sequence change replaces arginine, which is basic and polar, with glutamine, which is neutral and polar, at codon 111 of the RYR2 protein (p.Arg111Gln). This variant is not present in population databases (gnomAD no frequency). This variant has not been reported in the literature in individuals affected with RYR2-related conditions. Advanced modeling of protein sequence and biophysical properties (such as structural, functional, and spatial information, amino acid conservation, physicochemical variation, residue mobility, and thermodynamic stability) performed at Invitae indicates that this missense variant is expected to disrupt RYR2 protein function. In summary, the available evidence is currently insufficient to determine the role of this variant in disease. Therefore, it has been classified as a Variant of Uncertain Significance.

Ambry Genetics
Classification: Uncertain significance for Cardiovascular phenotype. Last evaluated: 2023-03-27. Review status: criteria provided, single submitter. Criteria: Ambry Variant Classification Scheme 2023. Collection method: clinical testing. Allele origin: germline.
Comment: The p.R111Q variant (also known as c.332G>A), located in coding exon 6 of the RYR2 gene, results from a G to A substitution at nucleotide position 332. The arginine at codon 111 is replaced by glutamine, an amino acid with highly similar properties. This amino acid position is highly conserved in available vertebrate species. In addition, this alteration is predicted to be deleterious by in silico analysis. Since supporting evidence is limited at this time, the clinical significance of this alteration remains unclear.